The following is an entry in ClinVar:

NM_000071.3(CBS):c.535G>A (p.Asp179Asn)

Gene: CBS (cystathionine beta-synthase; minus strand). Cytogenetic location: 21q22.3.
Variant type: single nucleotide variant.
Coding change: c.535G>A on transcript NM_000071.3 (MANE Select); coding-DNA position 535, G replaced by A.
Protein change: p.Asp179Asn; replaces aspartic acid 179 with asparagine.
Molecular consequence: missense variant.
Genome position (GRCh38, 1-based): chr21:43,065,518, C>T on the plus strand (G>A on the coding strand, the complement: CBS is on the minus strand). VCF-style: chr21-43065518-C-T. GRCh37 (hg19) VCF-style: chr21-44485628-C-T.
Other names: c.535G>A, p.Asp179Asn (NM_001178008.3, NM_001178009.3, NM_001320298.2); c.220G>A, p.Asp74Asn (NM_001321072.1); short protein forms D179N, D74N.
Identifiers: ClinVar variation 5017358 (VCV005017358.1).

ClinVar aggregate classification (germline): Uncertain significance (1 of 4 stars; one submission).

Submission:

GeneDx
Classification: Uncertain significance. Last evaluated: 2026-03-25. Review status: criteria provided, single submitter. Criteria: GeneDx Variant Classification Process June 2021. Collection method: clinical testing. Allele origin: germline.
Comment: Not observed at significant frequency in large population cohorts (gnomAD); In silico analysis supports that this missense variant has a deleterious effect on protein structure/function; Has not been previously published as pathogenic or benign to our knowledge